The following is an entry in ClinVar:

ClinVar aggregate classification (germline): Likely pathogenic (1 of 4 stars; one submission).

Conditions:
Lynch syndrome 4 (LYNCH4). Also called: Hereditary non-polyposis colorectal cancer, type 4; Colorectal cancer, hereditary nonpolyposis, type 4. Identifiers: Orphanet 144, MedGen C1838333, MONDO:0013699, OMIM 614337. Disease mechanism: loss of function.

Submission:

University of Washington Department of Laboratory Medicine, University of Washington
Classification: Likely pathogenic for Lynch syndrome 4. Last evaluated: 2026-01-12. Review status: criteria provided, single submitter. Criteria: Shirts BH et al. (Am J Hum Genet 2018). Collection method: clinical testing. Allele origin: de novo. Affected: yes.
Comment: We classify the PMS2 c.164-9A>G variant as likely pathogenic based on internal evidence. Tumor testing demonstrated loss of PMS2 protein expression by immunohistochemistry (IHC), consistent with deficient mismatch repair (dMMR) and loss of PMS2 function. Tumor sequencing revealed this single somatic PMS2 variant in the context of a germline PMS2 variant, supporting a role in biallelic inactivation consistent with Lynch syndrome. The use of tumor molecular features to inform germline variant interpretation has been described in the literature (Shirts et al., 2018. Genet Med. PMID: 29887214). The c.164-9A>G alteration occurs in the canonical splice region and is highly predicted to affect splicing based on multiple in silico tools, including SpliceAI and dbscSNV, in a gene where loss-of-function is a known mechanism of disease, supporting PP3_moderate. This variant is absent from large population databases, including gnomAD v4.0.0, meeting PM2_supporting. Taken together, the evidence of splicing disruption in a gene with known loss-of-function disease mechanism, tumor IHC evidence supporting PMS2 deficiency, somatic evidence in the context of a germline variant, and absence from population databases support a likely pathogenic classification for PMS2 c.164-9A>G.

NM_000535.7(PMS2):c.164-9A>G

Gene: PMS2 (PMS1 homolog 2, mismatch repair system component; minus strand). Cytogenetic location: 7p22.1.
Variant type: single nucleotide variant.
Coding change: c.164-9A>G on transcript NM_000535.7 (MANE Select); 9 bases into the intron before coding-DNA position 164, A replaced by G.
Molecular consequence: intron variant.
Genome position (GRCh38, 1-based): chr7:6,004,067, T>C on the plus strand (A>G on the coding strand, the complement: PMS2 is on the minus strand). VCF-style: chr7-6004067-T-C. GRCh37 (hg19) VCF-style: chr7-6043698-T-C.
Other names: c.-52-9A>G (NM_001322008.2, NM_001406902.1, NM_001406883.1 and 4 more transcripts); c.-218-9A>G (NM_001406881.1, NM_001406900.1); c.-189-9A>G (NM_001406895.1, NM_001406904.1, NM_001406889.1 and 6 more transcripts); c.-242-9A>G (NM_001406911.1, NM_001322010.2, NM_001322004.2 and 13 more transcripts); c.-321-9A>G (NM_001406879.1, NM_001322015.2, NM_001406878.1 and 3 more transcripts); c.-721-9A>G (NM_001322012.2, NM_001322011.2); c.-52-1431A>G (NM_001406896.1); c.164-9A>G (NM_001406885.1, NM_001406886.1, NM_001406884.1 and 10 more transcripts); and 3 more.
Identifiers: ClinVar variation 4795786 (VCV004795786.1).
Genomic context (GRCh38, chr7:6,004,067, plus strand): 5'-CCATTGTCTGAAACTTCAATAAGATCCACTCCATAGTCCTTAAGCTTTAGATCTAGAAAG[T>C]TTAAAATATTTACATATTTATTAAAAACGGACCCATGCTATCAGTTTTTATATTGACATT-3'